The following is an entry in ClinVar:

ClinVar aggregate classification (germline): Benign (1 of 4 stars; one submission).

Conditions:
Leigh syndrome (NULS). Also called: Leigh's necrotizing encephalopathy; Leigh's disease; Leigh Syndrome (mtDNA deletion); Leigh Disease; Subacute necrotizing encephalopathy; Necrotizing encephalopathy infantile subacute of Leigh. Identifiers: Orphanet 506, MedGen C2931891, MONDO:0009723, OMIM 256000.

Submission:

Wong Mito Lab, Molecular and Human Genetics, Baylor College of Medicine
Classification: Benign for Leigh syndrome. Last evaluated: 2019-10-17. Review status: criteria provided, single submitter. Criteria: Modified ACMG Guidelines (Unpublished). Collection method: clinical testing. Allele origin: germline.
Comment: The NC_012920.1:m.8683A>G (YP_003024031.1:p.Thr53Ala) variant in MTATP6 gene is interpretated to be a Benign variant based on the modified ACMG guidelines (unpublished). This variant meets the following evidence codes: BS1, BS2

NC_012920.1(MT-ATP6):m.8683A>G

Gene: MT-ATP6 (mitochondrially encoded ATP synthase 6; plus strand).
Variant type: single nucleotide variant.
Genome position: chrM-8683-A-G.
Identifiers: ClinVar variation 692950 (VCV000692950.1), dbSNP rs1603221698, ClinGen allele CA414797408.